The following is an entry in ClinVar:

NM_000182.5(HADHA):c.238del (p.Trp80fs)

Gene: HADHA (hydroxyacyl-CoA dehydrogenase trifunctional multienzyme complex subunit alpha; minus strand). Cytogenetic location: 2p23.3.
Variant type: Deletion.
Coding change: c.238del on transcript NM_000182.5 (MANE Select); coding-DNA position 238, one base deleted (T; older notation c.238delT).
Protein change: p.Trp80fs; shifts the reading frame from tryptophan 80.
Molecular consequence: frameshift variant.
Genome position (GRCh38, 1-based): chr2:26,236,931, A deleted on the plus strand (T on the coding strand, the reverse complement: HADHA is on the minus strand). VCF-style (leftmost placement, unchanged base first): chr2-26236930-CA-C. GRCh37 (hg19) VCF-style: chr2-26459798-CA-C.
Other names: short protein forms W80fs.
Identifiers: ClinVar variation 2028098 (VCV002028098.4), dbSNP rs2465605243, ClinGen allele CA2580066157.
Genomic context (GRCh38, chr2:26,236,930, plus strand): 5'-GCAATAAAGCAGCCTGGCTTTGATGAGATAAGGACGGCACTTCTGATTTGATCACTAGCC[CA>C]GATTTCATTCATAACTTCTGAGAACTCTGAATGTAGCTCTTTACTCAGTGTATTTACCTG-3'

ClinVar aggregate classification (germline): Pathogenic (1 of 4 stars; one submission).

Conditions:
Long chain 3-hydroxyacyl-CoA dehydrogenase deficiency. Also called: LCHAD Deficiency; Deficiency of long-chain 3-hydroxyacyl-coenzyme A dehydrogenase. Identifiers: Orphanet 5, MedGen C3711645, MONDO:0012173, OMIM 609016.
Mitochondrial trifunctional protein deficiency. Identifiers: Orphanet 746, MedGen C1969443, MONDO:0012172.

Submission:

Labcorp Genetics (formerly Invitae), Labcorp
Classification: Pathogenic for Mitochondrial trifunctional protein deficiency; Long chain 3-hydroxyacyl-CoA dehydrogenase deficiency. Last evaluated: 2023-06-29. Review status: criteria provided, single submitter. Criteria: Invitae Variant Classification Sherloc (09022015). Collection method: clinical testing. Allele origin: germline.
Comment: For these reasons, this variant has been classified as Pathogenic. ClinVar contains an entry for this variant (Variation ID: 2028098). This variant has not been reported in the literature in individuals affected with HADHA-related conditions. This variant is not present in population databases (gnomAD no frequency). This sequence change creates a premature translational stop signal (p.Trp80Glyfs*28) in the HADHA gene. It is expected to result in an absent or disrupted protein product. Loss-of-function variants in HADHA are known to be pathogenic (PMID: 7738175, 21103935, 21549624, 22459206).

Literature cited by the submitters: PubMed 7738175; PubMed 21103935; PubMed 21549624; PubMed 22459206.